The following is an entry in ClinVar:

NM_000231.3(SGCG):c.*185G>A

Gene: SGCG (sarcoglycan gamma; plus strand). Cytogenetic location: 13q12.12.
Variant type: single nucleotide variant.
Coding change: c.*185G>A on transcript NM_000231.3 (MANE Select); 185 bases downstream of the stop codon, G replaced by A.
Molecular consequence: 3 prime UTR variant.
Genome position (GRCh38, 1-based): chr13:23,324,726, G>A. VCF-style: chr13-23324726-G-A. GRCh37 (hg19) VCF-style: chr13-23898865-G-A.
Other names: c.*185G>A (NM_001378244.1, NM_001378245.1, NM_001378246.1).
Identifiers: ClinVar variation 311485 (VCV000311485.9), dbSNP rs115918628, ClinGen allele CA10639180.

ClinVar aggregate classification (germline): Benign. Review status: reviewed by expert panel (3 of 4 stars). 3 submissions from 3 submitters: Benign (1). 2 of the submissions do not count toward it. Last evaluated 2025-01-08.

Conditions:
Sarcoglycanopathy. Identifiers: Orphanet 207052, MedGen C2936331, MONDO:0016140.
Autosomal recessive limb-girdle muscular dystrophy. Identifiers: Orphanet 102015, MedGen C2931907, MONDO:0015152.

Allele frequency attached by ClinVar (database versions not stated): gnomAD exomes 0.00041; gnomAD 0.00417 and 0.00447; 1000 Genomes Project 0.00419; 1000 Genomes Project 30x 0.00422; TOPMed 0.00475.

Submissions (3):

ClinGen Limb Girdle Muscular Dystrophy Variant Curation Expert Panel, ClinGen
Classification: Benign for Autosomal recessive limb-girdle muscular dystrophy. Last evaluated: 2025-01-08. Review status: reviewed by expert panel. Criteria: ClinGen LGMD VCEP ACMG Specifications SGCG V1.0.0. Collection method: curation. Allele origin: germline. Inheritance: Autosomal recessive inheritance.
Comment: The NM_000231.3: c.*185G>A variant is located in the 3' UTR of SGCG. Because the variant is located in the 3' UTR, it is not expected to alter the amino acid sequence. The filtering allele frequency of the c.*185G>A variant in SGCG is 0.01199 in the African/African American population in gnomAD v2.1.1 (the lower threshold of the 95% CI of 122/8708 genome chromosomes), which is higher than the ClinGen LGMD VCEP threshold (>0.002) for BA1, and therefore meets this criterion (BA1). The computational splicing predictor SpliceAI gives a score of 0.00 for donor loss and 0.01 for acceptor loss, suggesting that the variant does not impact splicing (BP4, BP7). In summary, this variant meets the criteria to be classified as Benign for autosomal recessive limb girdle muscular dystrophy based on the ACMG/AMP criteria applied, as specified by the ClinGen LGMD VCEP (LGMD VCEP specifications version 1.0.0; 01/08/2025): BA1, BP4, BP7.

GeneDx
Classification: Likely benign. Last evaluated: 2018-10-09. Review status: criteria provided, single submitter. Criteria: GeneDx Variant Classification Process June 2021. Collection method: clinical testing. Allele origin: germline. Affected: yes. Not counted in ClinVar's aggregate classification.

Illumina Laboratory Services, Illumina
Classification: Benign for Sarcoglycanopathy. Last evaluated: 2018-01-13. Review status: criteria provided, single submitter. Criteria: ICSL Variant Classification Criteria 13 December 2019. Collection method: clinical testing. Allele origin: germline. Not counted in ClinVar's aggregate classification.
Comment: This variant was observed in the ICSL laboratory as part of a predisposition screen in an ostensibly healthy population. It had not been previously curated by ICSL or reported in the Human Gene Mutation Database (HGMD: prior to June 1st, 2018), and was therefore a candidate for classification through an automated scoring system. Utilizing variant allele frequency, disease prevalence and penetrance estimates, and inheritance mode, an automated score was calculated to assess if this variant is too frequent to cause the disease. Based on the score and internal cut-off values, a variant classified as benign is not then subjected to further curation. The score for this variant resulted in a classification of benign for this disease.